The following is an entry in ClinVar:

ClinVar aggregate classification (germline): Uncertain significance (1 of 4 stars; one submission).

Conditions:
Myopathy, tubular aggregate, 2 (TAM2). Identifiers: MedGen C4014557, MONDO:0014383, OMIM 615883.
Combined immunodeficiency due to ORAI1 deficiency. Also called: IMMUNODEFICIENCY 9. Identifiers: Orphanet 169090, Orphanet 317428, MedGen C2748568, MONDO:0013007, OMIM 612782.

Allele frequency attached by ClinVar (database versions not stated): gnomAD exomes below 0.00001; ExAC 0.00001.

Submission:

Labcorp Genetics (formerly Invitae), Labcorp
Classification: Uncertain significance for Myopathy, tubular aggregate, 2; Combined immunodeficiency due to ORAI1 deficiency. Last evaluated: 2025-02-10. Review status: criteria provided, single submitter. Criteria: Invitae Variant Classification Sherloc (09022015). Collection method: clinical testing. Allele origin: germline.
Comment: This sequence change replaces valine, which is neutral and non-polar, with methionine, which is neutral and non-polar, at codon 154 of the ORAI1 protein (p.Val154Met). This variant is not present in population databases (gnomAD no frequency). This variant has not been reported in the literature in individuals affected with ORAI1-related conditions. ClinVar contains an entry for this variant (Variation ID: 1944441). Experimental studies and prediction algorithms are not available or were not evaluated, and the functional significance of this variant is currently unknown. In summary, the available evidence is currently insufficient to determine the role of this variant in disease. Therefore, it has been classified as a Variant of Uncertain Significance.

NC_000012.12:g.121641197G>A

Gene: ORAI1 (ORAI calcium release-activated calcium modulator 1; plus strand). Cytogenetic location: 12q24.31.
Variant type: single nucleotide variant.
Genome position: GRCh38 VCF-style: chr12-121641197-G-A. GRCh37 (hg19) VCF-style: chr12-122079103-G-A.
Other names: c.460G>A, p.Val154Met (NM_032790.4); short protein forms V154M.
Identifiers: ClinVar variation 1944441 (VCV001944441.5), dbSNP rs782291534, ClinGen allele CA6837494.